The following is an entry in ClinVar:

ClinVar aggregate classification (germline): Uncertain significance (1 of 4 stars; one submission).

Conditions:
Severe combined immunodeficiency due to DNA-PKcs deficiency. Also called: IMMUNODEFICIENCY 26 WITH NEUROLOGIC ABNORMALITIES; Immunodeficiency 26 with or without neurologic abnormalities. Identifiers: Orphanet 317425, MedGen C4014833, MONDO:0014423, OMIM 615966.

Allele frequency attached by ClinVar (database versions not stated): gnomAD 0.00002 and 0.00004; TOPMed 0.00009; 1000 Genomes Project 0.00020; ExAC 0.00024; 1000 Genomes Project 30x 0.00031.

Submission:

Labcorp Genetics (formerly Invitae), Labcorp
Classification: Uncertain significance for Severe combined immunodeficiency due to DNA-PKcs deficiency. Last evaluated: 2020-09-27. Review status: criteria provided, single submitter. Criteria: Invitae Variant Classification Sherloc (09022015). Collection method: clinical testing. Allele origin: germline.
Comment: This sequence change replaces leucine with phenylalanine at codon 2996 of the PRKDC protein (p.Leu2996Phe). The leucine residue is moderately conserved and there is a small physicochemical difference between leucine and phenylalanine. This variant is present in population databases (rs544832472, ExAC 0.3%). This variant has not been reported in the literature in individuals with PRKDC-related conditions. Experimental studies and prediction algorithms are not available or were not evaluated, and the functional significance of this variant is currently unknown. In summary, the available evidence is currently insufficient to determine the role of this variant in disease. Therefore, it has been classified as a Variant of Uncertain Significance.

NM_006904.7(PRKDC):c.8986C>T (p.Leu2996Phe)

Gene: PRKDC (protein kinase, DNA-activated, catalytic subunit; minus strand). Cytogenetic location: 8q11.21.
Variant type: single nucleotide variant.
Coding change: c.8986C>T on transcript NM_006904.7 (MANE Select); coding-DNA position 8986, C replaced by T.
Protein change: p.Leu2996Phe; replaces leucine 2996 with phenylalanine.
Molecular consequence: missense variant.
Genome position (GRCh38, 1-based): chr8:47,821,729, G>A on the plus strand (C>T on the coding strand, the complement: PRKDC is on the minus strand). VCF-style: chr8-47821729-G-A. GRCh37 (hg19) VCF-style: chr8-48734290-G-A.
Other names: c.8986C>T, p.Leu2996Phe (NM_001081640.2); short protein forms L2996F.
Identifiers: ClinVar variation 1040388 (VCV001040388.1), dbSNP rs544832472, ClinGen allele CA4739688.
Genomic context (GRCh38, chr8:47,821,729, plus strand): 5'-TAGAACAGTATTCAAGTGATTTCCACTCAGCAAGGTGGTTGTAACAGTCAAGGGATGCAA[G>A]TTCCCAAAAATCCTTCTCGGCTTCTGTGGGCTCACCATCTACCCAGTCTTGTTTATTGAG-3'
Protein context (NP_008835.5, residues 2986-3006): PTEAEKDFWE[Leu2996Phe]ASLDCYNHLA